The following is an entry in ClinVar:

NM_199420.4(POLQ):c.1526A>C (p.Gln509Pro)

Gene: POLQ (DNA polymerase theta; minus strand). Cytogenetic location: 3q13.33.
Variant type: single nucleotide variant.
Coding change: c.1526A>C on transcript NM_199420.4 (MANE Select); coding-DNA position 1526, A replaced by C.
Protein change: p.Gln509Pro; replaces glutamine 509 with proline.
Molecular consequence: missense variant.
Genome position (GRCh38, 1-based): chr3:121,511,972, T>G on the plus strand (A>C on the coding strand, the complement: POLQ is on the minus strand). VCF-style: chr3-121511972-T-G. GRCh37 (hg19) VCF-style: chr3-121230819-T-G.
Other names: short protein forms Q509P.
Identifiers: ClinVar variation 3229840 (VCV003229840.1), dbSNP rs2048259019, ClinGen allele CA354116214.

ClinVar aggregate classification (germline): Uncertain significance (1 of 4 stars; one submission).

Submission:

Ambry Genetics
Classification: Uncertain significance. Last evaluated: 2023-11-09. Review status: criteria provided, single submitter. Criteria: Ambry Variant Classification Scheme 2023. Collection method: clinical testing. Allele origin: germline.
Comment: The p.Q509P variant (also known as c.1526A>C), located in coding exon 10 of the POLQ gene, results from an A to C substitution at nucleotide position 1526. The glutamine at codon 509 is replaced by proline, an amino acid with similar properties. This amino acid position is conserved. In addition, the in silico prediction for this alteration is inconclusive. Since supporting evidence is limited at this time, the clinical significance of this alteration remains unclear.